The following is an entry in ClinVar:

ClinVar aggregate classification (germline): Likely benign (1 of 4 stars; one submission).

Allele frequency attached by ClinVar (database versions not stated): 1000 Genomes Project 0.00020; gnomAD exomes 0.00001; ExAC 0.00002; TOPMed 0.00004; gnomAD 0.00005; 1000 Genomes Project 30x 0.00016.
gnomAD v4.1: 18 of 1,614,214 alleles (0.0011%); highest among the groups gnomAD compares: East Asian, 0.0089%; no homozygotes.

Submission:

CeGaT Center for Human Genetics Tuebingen
Classification: Likely benign. Last evaluated: 2024-05-01. Review status: criteria provided, single submitter. Criteria: CeGaT Center For Human Genetics Tuebingen Variant Classification Criteria Version 2. Collection method: clinical testing. Allele origin: germline. Affected: yes. Observed: 1 variant allele.
Comment: KMT2C: BP4

NM_170606.3(KMT2C):c.10726A>G (p.Ile3576Val)

Gene: KMT2C (lysine methyltransferase 2C; minus strand). Cytogenetic location: 7q36.1.
Variant type: single nucleotide variant.
Coding change: c.10726A>G on transcript NM_170606.3 (MANE Select); coding-DNA position 10726, A replaced by G.
Protein change: p.Ile3576Val; replaces isoleucine 3576 with valine.
Molecular consequence: missense variant.
Genome position (GRCh38, 1-based): chr7:152,162,851, T>C on the plus strand (A>G on the coding strand, the complement: KMT2C is on the minus strand). VCF-style: chr7-152162851-T-C. GRCh37 (hg19) VCF-style: chr7-151859936-T-C.
Other names: short protein forms I3576V.
Identifiers: ClinVar variation 3239323 (VCV003239323.19), dbSNP rs566345741.